The following is an entry in ClinVar:

ClinVar aggregate classification (germline): Uncertain significance (1 of 4 stars; one submission).

Allele frequency attached by ClinVar (database versions not stated): gnomAD exomes below 0.00001.

Submission:

Labcorp Genetics (formerly Invitae), Labcorp
Classification: Uncertain significance. Last evaluated: 2023-04-09. Review status: criteria provided, single submitter. Criteria: Invitae Variant Classification Sherloc (09022015). Collection method: clinical testing. Allele origin: germline.
Comment: This variant is not present in population databases (gnomAD no frequency). This sequence change replaces tyrosine, which is neutral and polar, with cysteine, which is neutral and slightly polar, at codon 164 of the FGF12 protein (p.Tyr164Cys). In summary, the available evidence is currently insufficient to determine the role of this variant in disease. Therefore, it has been classified as a Variant of Uncertain Significance. Advanced modeling of protein sequence and biophysical properties (such as structural, functional, and spatial information, amino acid conservation, physicochemical variation, residue mobility, and thermodynamic stability) performed at Invitae indicates that this missense variant is expected to disrupt FGF12 protein function. This variant has not been reported in the literature in individuals affected with FGF12-related conditions.

NM_004113.6(FGF12):c.305A>G (p.Tyr102Cys)

Gene: FGF12 (fibroblast growth factor 12; minus strand). Cytogenetic location: 3q28.
Variant type: single nucleotide variant.
Coding change: c.305A>G on transcript NM_004113.6 (MANE Select); coding-DNA position 305, A replaced by G.
Protein change: p.Tyr102Cys; replaces tyrosine 102 with cysteine.
Molecular consequence: missense variant.
Genome position (GRCh38, 1-based): chr3:192,170,580, T>C on the plus strand (A>G on the coding strand, the complement: FGF12 is on the minus strand). VCF-style: chr3-192170580-T-C. GRCh37 (hg19) VCF-style: chr3-191888369-T-C.
Other names: c.194A>G, p.Tyr65Cys (NM_001377292.1); c.233A>G, p.Tyr78Cys (NM_001377293.1, NM_001377294.1); c.491A>G, p.Tyr164Cys (NM_021032.5); short protein forms Y65C, Y102C, Y164C, Y78C.
Identifiers: ClinVar variation 2853784 (VCV002853784.3), dbSNP rs2473964301, ClinGen allele CA355866108.